The following is an entry in ClinVar:

ClinVar aggregate classification (germline): Uncertain significance (1 of 4 stars; one submission).

Conditions:
Familial adenomatous polyposis 1 (FAP1). Also called: FAMILIAL ADENOMATOUS POLYPOSIS 1, ATTENUATED; POLYPOSIS, ADENOMATOUS INTESTINAL. Identifiers: MedGen C2713442, MONDO:0021056, OMIM 175100. Disease mechanism: loss of function.

Submission:

Labcorp Genetics (formerly Invitae), Labcorp
Classification: Uncertain significance for Familial adenomatous polyposis 1. Last evaluated: 2025-06-27. Review status: criteria provided, single submitter. Criteria: Invitae Variant Classification Sherloc (09022015). Collection method: clinical testing. Allele origin: germline.
Comment: This variant occurs in a non-coding region of the APC gene. It does not change the encoded amino acid sequence of the APC protein. This variant is not present in population databases (gnomAD no frequency). This variant has not been reported in the literature in individuals affected with APC-related conditions. ClinVar contains an entry for this variant (Variation ID: 646746). Experimental studies and prediction algorithms are not available or were not evaluated, and the functional significance of this variant is currently unknown. In summary, the available evidence is currently insufficient to determine the role of this variant in disease. Therefore, it has been classified as a Variant of Uncertain Significance.

NM_001127511.3(APC):c.-65_-64del

Gene: APC (APC regulator of Wnt signaling pathway; plus strand). Cytogenetic location: 5q22.2.
Variant type: Deletion.
Coding change: c.-65_-64del on transcript NM_001127511.3; 65 bases upstream of the start codon through 64 bases upstream of the start codon, 2 bases deleted (CT; older notation c.-65_-64delCT).
Molecular consequence: 5 prime UTR variant. On other transcripts: non-coding transcript variant (1), intron variant (5).
Genome position (GRCh38, 1-based): chr5:112,707,653-112,707,654, CT deleted. VCF-style (leftmost placement, unchanged base first): chr5-112707652-ACT-A. GRCh37 (hg19) VCF-style: chr5-112043349-ACT-A.
Other names: c.-248_-247del (NM_001354895.2, NM_001407447.1, NM_001407452.1 and 3 more transcripts); c.-65_-64del (NM_001354897.2, NM_001354902.2, NM_001407446.1); c.-1283_-1282del (NM_001407470.1, NM_001407472.1); c.-19+4_-19+5del (NM_001407448.1, NM_001407450.1, NM_001407457.1 and 1 more transcripts); c.-43+4_-43+5del (NM_001407453.1).
Identifiers: ClinVar variation 646746 (VCV000646746.6), dbSNP rs1580996531, ClinGen allele CA915943588.